The following is an entry in ClinVar:

ClinVar aggregate classification (germline): Benign. Review status: criteria provided, multiple submitters, no conflicts (2 of 4 stars). 11 submissions from 11 submitters: Benign (9). 2 of the submissions do not count toward it. Last evaluated 2024-11-26.

Conditions:
Autosomal recessive spinocerebellar ataxia 10. Identifiers: Orphanet 284289, MedGen C3150998, MONDO:0013392, OMIM 613728.

Allele frequency attached by ClinVar (database versions not stated): ESP Exome Variant Server 0.52679; gnomAD 0.56196 and 0.57324; TOPMed 0.56558; 1000 Genomes Project 30x 0.62929; 1000 Genomes Project 0.63678; gnomAD exomes 0.65594; ExAC 0.68496.
gnomAD v4.1: 969,223 of 1,563,326 alleles (62%); highest among the groups gnomAD compares: East Asian, 90%; 305,625 homozygotes.

Submissions (17):

Blueprint Genetics
Classification: Benign. Last evaluated: 2024-11-26. Review status: criteria provided, single submitter. Criteria: ACMG Guidelines, 2015. Collection method: clinical testing. Allele origin: germline.

Mayo Clinic Laboratories, Mayo Clinic
Classification: Benign. Last evaluated: 2022-03-24. Review status: criteria provided, single submitter. Criteria: ACMG Guidelines, 2015. Collection method: clinical testing. Allele origin: germline. Observed: 410 variant alleles.

Genome-Nilou Lab
Classification: Benign for Autosomal recessive spinocerebellar ataxia 10. Last evaluated: 2021-07-14. Review status: criteria provided, single submitter. Criteria: ACMG Guidelines, 2015. Collection method: clinical testing. Allele origin: germline. Affected: no.

GeneDx
Classification: Benign. Last evaluated: 2019-09-25. Review status: criteria provided, single submitter. Criteria: GeneDx Variant Classification Process June 2021. Collection method: clinical testing. Allele origin: germline. Affected: yes.

Athena Diagnostics
Classification: Benign. Last evaluated: 2019-05-21. Review status: criteria provided, single submitter. Criteria: Athena Diagnostics Criteria. Collection method: clinical testing. Allele origin: germline.

Illumina Laboratory Services, Illumina
Classification: Benign for Autosomal recessive spinocerebellar ataxia 10. Last evaluated: 2018-01-13. Review status: criteria provided, single submitter. Criteria: ICSL Variant Classification Criteria 13 December 2019. Collection method: clinical testing. Allele origin: germline.
Comment: This variant was observed in the ICSL laboratory as part of a predisposition screen in an ostensibly healthy population. It had not been previously curated by ICSL or reported in the Human Gene Mutation Database (HGMD: prior to June 1st, 2018), and was therefore a candidate for classification through an automated scoring system. Utilizing variant allele frequency, disease prevalence and penetrance estimates, and inheritance mode, an automated score was calculated to assess if this variant is too frequent to cause the disease. Based on the score and internal cut-off values, a variant classified as benign is not then subjected to further curation. The score for this variant resulted in a classification of benign for this disease.

Clinical Genetics DNA and cytogenetics Diagnostics Lab, Erasmus MC, Erasmus Medical Center
Classification: Benign for Autosomal recessive spinocerebellar ataxia 10. Last evaluated: 2015-09-21. Review status: criteria provided, single submitter. Criteria: ACGS Guidelines, 2013. Collection method: clinical testing. Allele origin: germline. Affected: yes. Study: VKGL Data-share Consensus.

Breakthrough Genomics
Classification: Benign. Review status: criteria provided, single submitter. Criteria: ACMG Guidelines, 2015. Collection method: not provided. Allele origin: germline. Inheritance: Autosomal recessive inheritance. Affected: yes.

PreventionGenetics, part of Exact Sciences
Classification: Benign. Review status: criteria provided, single submitter. Criteria: ACMG Guidelines, 2015. Collection method: clinical testing. Allele origin: germline.

Diagnostic Laboratory, Department of Genetics, University Medical Center Groningen
Classification: Benign for Autosomal recessive spinocerebellar ataxia 10. Review status: no assertion criteria provided. Collection method: clinical testing. Allele origin: germline. Affected: yes. Study: VKGL Data-share Consensus. Not counted in ClinVar's aggregate classification.

Dr. Peter K. Rogan Lab, Western University
No classification provided (evidence only). Condition: Uterine carcinosarcoma. Review status: no classification provided. Collection method: in vitro. Allele origin: not applicable. Functional consequence: retained intron. Not counted in ClinVar's aggregate classification.

Dr. Peter K. Rogan Lab, Western University
No classification provided (evidence only). Condition: Uterine carcinosarcoma. Review status: no classification provided. Collection method: in vitro. Allele origin: not applicable. Functional consequence: skipped exon, retained intron. Not counted in ClinVar's aggregate classification.

Dr. Peter K. Rogan Lab, Western University
No classification provided (evidence only). Condition: Uterine carcinosarcoma. Review status: no classification provided. Collection method: in vitro. Allele origin: not applicable. Functional consequence: skipped exon. Not counted in ClinVar's aggregate classification.

Dr. Peter K. Rogan Lab, Western University
No classification provided (evidence only). Condition: Uterine carcinosarcoma. Review status: no classification provided. Collection method: in vitro. Allele origin: not applicable. Functional consequence: skipped exon. Not counted in ClinVar's aggregate classification.

Dr. Peter K. Rogan Lab, Western University
No classification provided (evidence only). Condition: Uterine carcinosarcoma. Review status: no classification provided. Collection method: in vitro. Allele origin: not applicable. Functional consequence: skipped exon. Not counted in ClinVar's aggregate classification.

Dr. Peter K. Rogan Lab, Western University
No classification provided (evidence only). Condition: Uterine carcinosarcoma. Review status: no classification provided. Collection method: in vitro. Allele origin: not applicable. Functional consequence: skipped exon. Not counted in ClinVar's aggregate classification.

Joint Genome Diagnostic Labs from Nijmegen and Maastricht, Radboudumc and MUMC+
Classification: Benign. Review status: no assertion criteria provided. Collection method: clinical testing. Allele origin: germline. Affected: yes. Study: VKGL Data-share Consensus. Not counted in ClinVar's aggregate classification.

NM_018075.5(ANO10):c.1293+9A>G

Gene: ANO10 (anoctamin 10; minus strand). Cytogenetic location: 3p22.1.
Variant type: single nucleotide variant.
Coding change: c.1293+9A>G on transcript NM_018075.5 (MANE Select); 9 bases into the intron after coding-DNA position 1293, A replaced by G.
Molecular consequence: intron variant.
Genome position (GRCh38, 1-based): chr3:43,565,644, T>C on the plus strand (A>G on the coding strand, the complement: ANO10 is on the minus strand). VCF-style: chr3-43565644-T-C. GRCh37 (hg19) VCF-style: chr3-43607136-T-C.
Other names: NC_000003.11:g.43607136T>C; p.?; c.1095+9A>G (NM_001346469.2, NM_001204832.3, NM_001346466.2); c.1293+9A>G (NM_001346468.2, NM_001346465.2, NM_001204831.3 and 3 more transcripts); c.960+9A>G (NM_001204833.3); c.723+9A>G (NM_001204834.3).
Identifiers: ClinVar variation 260993 (VCV000260993.18), dbSNP rs7616708, ClinGen allele CA2340819.